The following is an entry in ClinVar:

NM_020713.3(ZNF512B):c.2151C>T (p.Pro717=)

Gene: ZNF512B (zinc finger protein 512B; minus strand). Cytogenetic location: 20q13.33.
Variant type: single nucleotide variant.
Coding change: c.2151C>T on transcript NM_020713.3 (MANE Select); coding-DNA position 2151, C replaced by T.
Protein change: p.Pro717=; no amino-acid change (proline 717 retained).
Molecular consequence: synonymous variant.
Genome position (GRCh38, 1-based): chr20:63,962,599, G>A on the plus strand (C>T on the coding strand, the complement: ZNF512B is on the minus strand). VCF-style: chr20-63962599-G-A. GRCh37 (hg19) VCF-style: chr20-62593952-G-A.
Identifiers: ClinVar variation 3052187 (VCV003052187.2), dbSNP rs576813533, ClinGen allele CA9970887.

ClinVar aggregate classification (germline): Likely benign (0 of 4 stars; one submission).

Conditions:
ZNF512B-related disorder. Also called: ZNF512B-related condition.

Allele frequency attached by ClinVar (database versions not stated): gnomAD exomes 0.00004; ExAC 0.00005; TOPMed 0.00011; gnomAD 0.00016; 1000 Genomes Project 0.00020; 1000 Genomes Project 30x 0.00031.
gnomAD v4.1: 87 of 1,605,936 alleles (0.0054%); highest among the groups gnomAD compares: Admixed American, 0.087%; no homozygotes.

Submission:

PreventionGenetics, part of Exact Sciences
Classification: Likely benign for ZNF512B-related condition. Last evaluated: 2020-01-20. Review status: no assertion criteria provided. Collection method: clinical testing. Allele origin: germline.
Comment: This variant is classified as likely benign based on ACMG/AMP sequence variant interpretation guidelines (Richards et al. 2015 PMID: 25741868, with internal and published modifications).